The following is an entry in ClinVar:

ClinVar aggregate classification (germline): Uncertain significance. Review status: criteria provided, multiple submitters, no conflicts (2 of 4 stars). 2 submissions from 2 submitters: Uncertain significance (2). Last evaluated 2024-08-28.

Conditions:
Cone-rod dystrophy 13 (CORD13). Identifiers: Orphanet 1872, MedGen C2750720, MONDO:0011987, OMIM 608194.
Leber congenital amaurosis 6 (LCA6). Identifiers: Orphanet 65, MedGen C1854260, MONDO:0013446, OMIM 613826.

Allele frequency attached by ClinVar (database versions not stated): gnomAD exomes 0.00002 and 0.00003; ExAC 0.00003; TOPMed 0.00004; gnomAD 0.00005; ESP Exome Variant Server 0.00016.
gnomAD v4.1: 50 of 1,611,046 alleles (0.0031%); highest among the groups gnomAD compares: Non-Finnish European, 0.004%; no homozygotes.

Submissions (2):

Blueprint Genetics
Classification: Uncertain significance. Last evaluated: 2024-08-28. Review status: criteria provided, single submitter. Criteria: ACMG Guidelines, 2015. Collection method: clinical testing. Allele origin: germline.

Labcorp Genetics (formerly Invitae), Labcorp
Classification: Uncertain significance for Leber congenital amaurosis 6; Cone-rod dystrophy 13. Last evaluated: 2023-10-16. Review status: criteria provided, single submitter. Criteria: Invitae Variant Classification Sherloc (09022015). Collection method: clinical testing. Allele origin: germline.
Comment: This sequence change replaces arginine, which is basic and polar, with histidine, which is basic and polar, at codon 118 of the RPGRIP1 protein (p.Arg118His). This variant is present in population databases (rs369530487, gnomAD 0.005%). This variant has not been reported in the literature in individuals affected with RPGRIP1-related conditions. ClinVar contains an entry for this variant (Variation ID: 1061631). Advanced modeling of protein sequence and biophysical properties (such as structural, functional, and spatial information, amino acid conservation, physicochemical variation, residue mobility, and thermodynamic stability) performed at Invitae indicates that this missense variant is not expected to disrupt RPGRIP1 protein function. In summary, the available evidence is currently insufficient to determine the role of this variant in disease. Therefore, it has been classified as a Variant of Uncertain Significance.

NM_020366.4(RPGRIP1):c.353G>A (p.Arg118His)

Gene: RPGRIP1 (RPGR interacting protein 1; plus strand). Cytogenetic location: 14q11.2.
Variant type: single nucleotide variant.
Coding change: c.353G>A on transcript NM_020366.4 (MANE Select); coding-DNA position 353, G replaced by A.
Protein change: p.Arg118His; replaces arginine 118 with histidine.
Molecular consequence: missense variant.
Genome position (GRCh38, 1-based): chr14:21,301,100, G>A. VCF-style: chr14-21301100-G-A. GRCh37 (hg19) VCF-style: chr14-21769259-G-A.
Other names: short protein forms R118H.
Identifiers: ClinVar variation 1061631 (VCV001061631.8), dbSNP rs369530487, ClinGen allele CA7088640.